The following is an entry in ClinVar:

ClinVar aggregate classification (germline): Uncertain significance (1 of 4 stars; one submission).

Conditions:
Primary immunodeficiency with post-measles-mumps-rubella vaccine viral infection. Also called: Immunodeficiency 44. Identifiers: Orphanet 431166, MedGen C4225260, MONDO:0014715, OMIM 616636.

Submission:

Labcorp Genetics (formerly Invitae), Labcorp
Classification: Uncertain significance for Primary immunodeficiency with post-measles-mumps-rubella vaccine viral infection. Last evaluated: 2021-10-13. Review status: criteria provided, single submitter. Criteria: Invitae Variant Classification Sherloc (09022015). Collection method: clinical testing. Allele origin: germline.
Comment: In summary, the available evidence is currently insufficient to determine the role of this variant in disease. Therefore, it has been classified as a Variant of Uncertain Significance. Algorithms developed to predict the effect of sequence changes on RNA splicing suggest that this variant may create or strengthen a splice site. Advanced modeling of protein sequence and biophysical properties (such as structural, functional, and spatial information, amino acid conservation, physicochemical variation, residue mobility, and thermodynamic stability) performed at Invitae indicates that this missense variant is not expected to disrupt STAT2 protein function. This variant has not been reported in the literature in individuals affected with STAT2-related conditions. This variant is not present in population databases (ExAC no frequency). This sequence change replaces proline with alanine at codon 137 of the STAT2 protein (p.Pro137Ala). The proline residue is weakly conserved and there is a small physicochemical difference between proline and alanine.

NM_005419.4(STAT2):c.409C>G (p.Pro137Ala)

Gene: STAT2 (signal transducer and activator of transcription 2; minus strand). Cytogenetic location: 12q13.3.
Variant type: single nucleotide variant.
Coding change: c.409C>G on transcript NM_005419.4 (MANE Select); coding-DNA position 409, C replaced by G.
Protein change: p.Pro137Ala; replaces proline 137 with alanine.
Molecular consequence: missense variant.
Genome position (GRCh38, 1-based): chr12:56,355,505, G>C on the plus strand (C>G on the coding strand, the complement: STAT2 is on the minus strand). VCF-style: chr12-56355505-G-C. GRCh37 (hg19) VCF-style: chr12-56749289-G-C.
Other names: c.397C>G, p.Pro133Ala (NM_001385110.1, NM_001385115.1, NM_198332.2); c.409C>G, p.Pro137Ala (NM_001385111.1, NM_001385113.1, NM_001385114.1); short protein forms P137A, P133A.
Identifiers: ClinVar variation 1425137 (VCV001425137.6), dbSNP rs2136087361, ClinGen allele CA385263385.